The following is an entry in ClinVar:

NM_138383.3(MTSS2):c.880G>A (p.Gly294Arg)

Gene: MTSS2 (MTSS I-BAR domain containing 2; minus strand). Cytogenetic location: 16q22.1.
Variant type: single nucleotide variant.
Coding change: c.880G>A on transcript NM_138383.3 (MANE Select); coding-DNA position 880, G replaced by A.
Protein change: p.Gly294Arg; replaces glycine 294 with arginine.
Molecular consequence: missense variant.
Genome position (GRCh38, 1-based): chr16:70,674,479, C>T on the plus strand (G>A on the coding strand, the complement: MTSS2 is on the minus strand). VCF-style: chr16-70674479-C-T. GRCh37 (hg19) VCF-style: chr16-70708382-C-T.
Other names: short protein forms G294R.
Identifiers: ClinVar variation 4823600 (VCV004823600.4).

ClinVar aggregate classification (germline): Likely benign (1 of 4 stars; one submission).

Submission:

CeGaT Center for Human Genetics Tuebingen
Classification: Likely benign. Last evaluated: 2026-03-01. Review status: criteria provided, single submitter. Criteria: CeGaT Center For Human Genetics Tuebingen Variant Classification Criteria Version 2. Collection method: clinical testing. Allele origin: germline. Affected: yes. Observed: 1 variant allele.
Comment: MTSS2: BP4